The following is an entry in ClinVar:

ClinVar aggregate classification (germline): Conflicting classifications of pathogenicity. Review status: criteria provided, conflicting classifications (1 of 4 stars). 2 submissions from 2 submitters: Uncertain significance (1); Likely benign (1). Last evaluated 2025-04-23.

Conditions:
DICER1-related tumor predisposition. Also called: DICER1-related pleuropulmonary blastoma cancer predisposition syndrome; DICER1 syndrome. Identifiers: Orphanet 284343, MedGen C3839822, MONDO:0100216.
Hereditary cancer-predisposing syndrome. Also called: Hereditary Cancer Syndrome; Neoplastic Syndromes, Hereditary; Tumor predisposition; Hereditary neoplastic syndrome. Identifiers: Orphanet 140162, MedGen C0027672, MeSH D009386, MONDO:0015356.

Allele frequency attached by ClinVar (database versions not stated): gnomAD exomes below 0.00001; ExAC 0.00001.

Submissions (2):

Ambry Genetics
Classification: Likely benign for Hereditary cancer-predisposing syndrome. Last evaluated: 2025-04-23. Review status: criteria provided, single submitter. Criteria: Ambry Variant Classification Scheme 2023. Collection method: clinical testing. Allele origin: germline.

Labcorp Genetics (formerly Invitae), Labcorp
Classification: Uncertain significance for DICER1-related tumor predisposition. Last evaluated: 2024-05-20. Review status: criteria provided, single submitter. Criteria: Invitae Variant Classification Sherloc (09022015). Collection method: clinical testing. Allele origin: germline.
Comment: This sequence change replaces methionine, which is neutral and non-polar, with valine, which is neutral and non-polar, at codon 1407 of the DICER1 protein (p.Met1407Val). This variant is present in population databases (rs759394379, gnomAD 0.001%). This variant has not been reported in the literature in individuals affected with DICER1-related conditions. ClinVar contains an entry for this variant (Variation ID: 639422). Algorithms developed to predict the effect of missense changes on protein structure and function output the following: SIFT: "Not Available"; PolyPhen-2: "Benign"; Align-GVGD: "Not Available". The valine amino acid residue is found in multiple mammalian species, which suggests that this missense change does not adversely affect protein function. In summary, the available evidence is currently insufficient to determine the role of this variant in disease. Therefore, it has been classified as a Variant of Uncertain Significance.

NM_177438.3(DICER1):c.4219A>G (p.Met1407Val)

Gene: DICER1 (dicer 1, ribonuclease III; minus strand). Cytogenetic location: 14q32.13.
Variant type: single nucleotide variant.
Coding change: c.4219A>G on transcript NM_177438.3 (MANE Select); coding-DNA position 4219, A replaced by G.
Protein change: p.Met1407Val; replaces methionine 1407 with valine.
Molecular consequence: missense variant.
Genome position (GRCh38, 1-based): chr14:95,096,701, T>C on the plus strand (A>G on the coding strand, the complement: DICER1 is on the minus strand). VCF-style: chr14-95096701-T-C. GRCh37 (hg19) VCF-style: chr14-95563038-T-C.
Other names: c.4219A>G, p.Met1407Val (NM_001195573.1, NM_001271282.3, NM_001291628.2 and 1 more transcripts); short protein forms M1407V.
Identifiers: ClinVar variation 639422 (VCV000639422.13), dbSNP rs759394379, ClinGen allele CA7330874.
Genomic context (GRCh38, chr14:95,096,701, plus strand): 5'-GGCTCTCCTCCTCCTCATCCTCCTCCTCGTAATCCTCATCCAGTTTGCCATTCGCCAGCA[T>C]GCAGTCTTTTGTCTGAAACGAGGGGGAATGGGGAAGGAGGGGAAACATAGCTGCTGTTTT-3'
Protein context (NP_803187.1, residues 1397-1417): WEKDEMTKDC[Met1407Val]LANGKLDEDY